The following is an entry in ClinVar:

NM_001267550.2(TTN):c.101439G>A (p.Lys33813=)

Genes: TTN (titin; minus strand), TTN-AS1 (TTN antisense RNA 1; plus strand). Cytogenetic location: 2q31.2.
Variant type: single nucleotide variant.
Coding change: c.101439G>A on transcript NM_001267550.2 (MANE Select); coding-DNA position 101439, G replaced by A.
Protein change: p.Lys33813=; no amino-acid change (lysine 33813 retained).
Molecular consequence: synonymous variant.
Genome position (GRCh38, 1-based): chr2:178,535,176, C>T on the plus strand (G>A on the coding strand, the complement: TTN is on the minus strand). VCF-style: chr2-178535176-C-T. GRCh37 (hg19) VCF-style: chr2-179399903-C-T.
Other names: c.96516G>A, p.Lys32172= (NM_001256850.1); c.74244G>A, p.Lys24748= (NM_003319.4); c.93735G>A, p.Lys31245= (NM_133378.4); c.74619G>A, p.Lys24873= (NM_133432.3); c.74820G>A, p.Lys24940= (NM_133437.4).
Identifiers: ClinVar variation 535106 (VCV000535106.7), dbSNP rs72629781, ClinGen allele CA60959919.
Genomic context (GRCh38, chr2:178,535,176, plus strand): 5'-GACAATTCCAAACTCACCACGCCCAAGATCTTCAGCAATCATATATTTCTCATAGAGTTC[C>T]TTGGTTGAAGAGTGAGATGCTTTAGTCATGGAGACTTCCCTGGTTTCATCTACCTCTTCA-3'
Protein context (NP_001254479.2, residues 33803-33823): SMTKASHSST[Lys33813=]ELYEKYMIAE

ClinVar aggregate classification (germline): Conflicting classifications of pathogenicity. Review status: criteria provided, conflicting classifications (1 of 4 stars). 4 submissions from 4 submitters: Uncertain significance (2); Likely benign (2). Last evaluated 2025-03-28.

Conditions:
Cardiovascular phenotype. Identifiers: MedGen CN230736.
TTN-related disorder. Also called: TTN-related condition; TTN-related disease; TTN-related disorders.
Dilated cardiomyopathy 1G (CMD1G). Identifiers: Orphanet 154, MedGen C1858763, MONDO:0011400, OMIM 604145.
Autosomal recessive limb-girdle muscular dystrophy type 2J (LGMDR10). Also called: MUSCULAR DYSTROPHY, LIMB-GIRDLE, AUTOSOMAL RECESSIVE 10; Limb-girdle muscular dystrophy, type 2J. Identifiers: Orphanet 140922, MedGen C1837342, MONDO:0012127, OMIM 608807.
Myopathy, myofibrillar, 9, with early respiratory failure (MFM9). Also called: Myopathy, distal, with early respiratory failure, autosomal dominant; EDSTROM MYOPATHY; Hereditary myopathy with early respiratory failure; MYOPATHY, PROXIMAL, WITH EARLY RESPIRATORY MUSCLE INVOLVEMENT. Identifiers: Orphanet 178464, Orphanet 34521, MedGen C1863599, MONDO:0011362, OMIM 603689.
Early-onset myopathy with fatal cardiomyopathy (CMYO5). Also called: CONGENITAL MYOPATHY 5 WITH CARDIOMYOPATHY; Salih Myopathy. Identifiers: Orphanet 289377, MedGen C2673677, MONDO:0012714, OMIM 611705. Disease mechanism: loss of function.
Hypertrophic cardiomyopathy 9. Also called: Familial hypertrophic cardiomyopathy 9. Identifiers: MedGen C1861065, MONDO:0013412, OMIM 613765.
Tibial muscular dystrophy (TMD). Also called: Udd Distal Myopathy – Tibial Muscular Dystrophy; Tibial muscular dystrophy, tardive; UDD MYOPATHY. Identifiers: Orphanet 609, MedGen C1838244, MONDO:0010870, OMIM 600334.

Allele frequency attached by ClinVar (database versions not stated): gnomAD exomes below 0.00001; TOPMed 0.00002; gnomAD 0.00004 and 0.00005.
gnomAD v4.1: 12 of 1,613,808 alleles (0.00074%); highest among the groups gnomAD compares: African/African-American, 0.011%; no homozygotes.

Submissions (4):

PreventionGenetics, part of Exact Sciences
Classification: Likely benign for TTN-related condition. Last evaluated: 2025-03-28. Review status: criteria provided, single submitter. Criteria: ACMG Guidelines, 2015. Collection method: clinical testing. Allele origin: germline.
Comment: This variant is classified as likely benign based on ACMG/AMP sequence variant interpretation guidelines (Richards et al. 2015 PMID: 25741868, with internal and published modifications).

Fulgent Genetics
Classification: Uncertain significance for Tibial muscular dystrophy; Myopathy, myofibrillar, 9, with early respiratory failure; Dilated cardiomyopathy 1G; Autosomal recessive limb-girdle muscular dystrophy type 2J; Early-onset myopathy with fatal cardiomyopathy; Hypertrophic cardiomyopathy 9. Last evaluated: 2021-11-20. Review status: criteria provided, single submitter. Criteria: ACMG Guidelines, 2015. Collection method: clinical testing. Allele origin: unknown.

Ambry Genetics
Classification: Likely benign for Cardiovascular phenotype. Last evaluated: 2020-12-07. Review status: criteria provided, single submitter. Criteria: Ambry Variant Classification Scheme 2023. Collection method: clinical testing. Allele origin: germline.

Labcorp Genetics (formerly Invitae), Labcorp
Classification: Uncertain significance for Dilated cardiomyopathy 1G; Autosomal recessive limb-girdle muscular dystrophy type 2J. Last evaluated: 2017-12-11. Review status: criteria provided, single submitter. Criteria: Invitae Variant Classification Sherloc (09022015). Collection method: clinical testing. Allele origin: germline.